The following is an entry in ClinVar:

ClinVar aggregate classification (germline): Benign/Likely benign. Review status: criteria provided, multiple submitters, no conflicts (2 of 4 stars). 6 submissions from 6 submitters: Benign (1); Likely benign (4). 1 of the submissions does not count toward it. Last evaluated 2026-02-01.

Allele frequency attached by ClinVar (database versions not stated): gnomAD exomes 0.00037 and 0.00095; ExAC 0.00120; gnomAD 0.00353 and 0.00372; TOPMed 0.00366; ESP Exome Variant Server 0.00431; 1000 Genomes Project 0.00539; 1000 Genomes Project 30x 0.00640.
gnomAD v4.1: 1,067 of 1,594,448 alleles (0.067%); highest among the groups gnomAD compares: African/African-American, 1.4%; 9 homozygotes.

Submissions (6):

Labcorp Genetics (formerly Invitae), Labcorp
Classification: Benign. Last evaluated: 2026-02-01. Review status: criteria provided, single submitter. Criteria: Invitae Variant Classification Sherloc (09022015). Collection method: clinical testing. Allele origin: germline.

ARUP Laboratories, Molecular Genetics and Genomics, ARUP Laboratories
Classification: Likely benign. Last evaluated: 2025-05-29. Review status: criteria provided, single submitter. Criteria: ARUP Molecular Germline Variant Investigation Process 2024. Collection method: clinical testing. Allele origin: germline.

Blueprint Genetics
Classification: Likely benign. Last evaluated: 2024-10-07. Review status: criteria provided, single submitter. Criteria: ACMG Guidelines, 2015. Collection method: clinical testing. Allele origin: germline.

Genetic Services Laboratory, University of Chicago
Classification: Likely benign. Last evaluated: 2021-10-19. Review status: criteria provided, single submitter. Criteria: ACMG Guidelines, 2015. Collection method: clinical testing. Allele origin: germline. Affected: no.

Breakthrough Genomics
Classification: Likely benign. Review status: criteria provided, single submitter. Criteria: ACMG Guidelines, 2015. Collection method: not provided. Allele origin: germline. Inheritance: Autosomal dominant inheritance. Affected: yes.

ITMI
No classification provided. Condition: AllHighlyPenetrant. Last evaluated: 2013-09-19. Review status: no classification provided. Collection method: reference population. Allele origin: germline. Not counted in ClinVar's aggregate classification.
Comment: Please see associated publication for description of ethnicities

Literature cited by the submitters: PubMed 24728327 (cited by ITMI).

NM_004972.4(JAK2):c.3288T>A (p.Asp1096Glu)

Genes: INSL6 (insulin like 6; minus strand), JAK2 (Janus kinase 2; plus strand). Cytogenetic location: 9p24.1.
Variant type: single nucleotide variant.
Coding change: c.3288T>A on transcript NM_004972.4 (MANE Select); coding-DNA position 3288, T replaced by A.
Protein change: p.Asp1096Glu; replaces aspartic acid 1096 with glutamic acid.
Molecular consequence: missense variant. On other transcripts: non-coding transcript variant (2).
Genome position (GRCh38, 1-based): chr9:5,126,443, T>A. VCF-style: chr9-5126443-T-A. GRCh37 (hg19) VCF-style: chr9-5126443-T-A.
Other names: c.3288T>A, p.Asp1096Glu (NM_001322194.2, NM_001322195.2, NM_001322196.2); c.2073T>A, p.Asp691Glu (NM_001322198.2, NM_001322199.2); c.2841T>A, p.Asp947Glu (NM_001322204.2); short protein forms D1096E, D691E, D947E.
Identifiers: ClinVar variation 134556 (VCV000134556.16), dbSNP rs62637626, ClinGen allele CA160174.